The following is an entry in ClinVar:

ClinVar aggregate classification (germline): Uncertain significance. Review status: criteria provided, single submitter (1 of 4 stars). 2 submissions from 2 submitters: Uncertain significance (1). 1 of the submissions does not count toward it. Last evaluated 2025-08-23.

Conditions:
AGBL1-related disorder. Also called: AGBL1-related condition.

Allele frequency attached by ClinVar (database versions not stated): gnomAD exomes 0.00018; ExAC 0.00049; 1000 Genomes Project 0.00120; 1000 Genomes Project 30x 0.00125; ESP Exome Variant Server 0.00138; gnomAD 0.00176; TOPMed 0.00206.
gnomAD v4.1: 529 of 1,612,788 alleles (0.033%); highest among the groups gnomAD compares: African/African-American, 0.63%; 2 homozygotes.

Submissions (2):

Ambry Genetics
Classification: Uncertain significance. Last evaluated: 2025-08-23. Review status: criteria provided, single submitter. Criteria: Ambry Variant Classification Scheme 2023. Collection method: clinical testing. Allele origin: germline.

PreventionGenetics, part of Exact Sciences
Classification: Benign for AGBL1-related condition. Last evaluated: 2019-07-16. Review status: no assertion criteria provided. Collection method: clinical testing. Allele origin: germline. Not counted in ClinVar's aggregate classification.
Comment: This variant is classified as benign based on ACMG/AMP sequence variant interpretation guidelines (Richards et al. 2015 PMID: 25741868, with internal and published modifications).

NM_001386094.1(AGBL1):c.3125C>G (p.Ala1042Gly)

Gene: AGBL1 (AGBL carboxypeptidase 1; plus strand). Cytogenetic location: 15q25.3.
Variant type: single nucleotide variant.
Coding change: c.3125C>G on transcript NM_001386094.1 (MANE Select); coding-DNA position 3125, C replaced by G.
Protein change: p.Ala1042Gly; replaces alanine 1042 with glycine.
Molecular consequence: missense variant.
Genome position (GRCh38, 1-based): chr15:86,674,403, C>G. VCF-style: chr15-86674403-C-G. GRCh37 (hg19) VCF-style: chr15-87217634-C-G.
Other names: c.3050C>G (NM_152336.2); c.3188C>G, p.Ala1063Gly (NM_152336.4); short protein forms A1042G, A1063G.
Identifiers: ClinVar variation 3050316 (VCV003050316.3), dbSNP rs199556679, ClinGen allele CA7716378.